The following is an entry in ClinVar:

ClinVar aggregate classification (germline): Uncertain significance (1 of 4 stars; one submission).

Conditions:
Hereditary cancer-predisposing syndrome. Also called: Tumor predisposition; Hereditary neoplastic syndrome; Neoplastic Syndromes, Hereditary; Hereditary Cancer Syndrome. Identifiers: Orphanet 140162, MedGen C0027672, MeSH D009386, MONDO:0015356.

Submission:

Ambry Genetics
Classification: Uncertain significance for Hereditary cancer-predisposing syndrome. Last evaluated: 2025-03-31. Review status: criteria provided, single submitter. Criteria: Ambry Variant Classification Scheme 2023. Collection method: clinical testing. Allele origin: germline.
Comment: The p.A239V variant (also known as c.716C>T), located in coding exon 5 of the CTNNA1 gene, results from a C to T substitution at nucleotide position 716. The alanine at codon 239 is replaced by valine, an amino acid with similar properties. This amino acid position is conserved. In addition, the in silico prediction for this alteration is inconclusive. Based on the available evidence, the clinical significance of this variant remains unclear.

NM_001903.5(CTNNA1):c.716C>T (p.Ala239Val)

Gene: CTNNA1 (catenin alpha 1; plus strand). Cytogenetic location: 5q31.2.
Variant type: single nucleotide variant.
Coding change: c.716C>T on transcript NM_001903.5 (MANE Select); coding-DNA position 716, C replaced by T.
Protein change: p.Ala239Val; replaces alanine 239 with valine.
Molecular consequence: missense variant.
Genome position (GRCh38, 1-based): chr5:138,824,657, C>T. VCF-style: chr5-138824657-C-T. GRCh37 (hg19) VCF-style: chr5-138160346-C-T.
Other names: c.716C>T, p.Ala239Val (NM_001290307.3, NM_001323982.2, NM_001323983.1 and 3 more transcripts); c.407C>T, p.Ala136Val (NM_001290309.3); c.347C>T, p.Ala116Val (NM_001290310.3); short protein forms A116V, A239V, A136V.
Identifiers: ClinVar variation 4007968 (VCV004007968.1).
Genomic context (GRCh38, chr5:138,824,657, plus strand): 5'-CGATCCTCTATACTGCATCCCAGGCATGCCTACAGCACCCTGATGTCGCAGCCTATAAGG[C>T]CAACAGGGACCTGATATACAAGCAGCTGCAGCAGGCGGTCACAGGCATTTCCAATGCAGC-3'
Protein context (NP_001894.2, residues 229-249): LQHPDVAAYK[Ala239Val]NRDLIYKQLQ